The following is an entry in ClinVar:

ClinVar aggregate classification (germline): Uncertain significance (1 of 4 stars; one submission).

gnomAD v4.1: 156 of 1,614,210 alleles (0.0097%); highest among the groups gnomAD compares: East Asian, 0.31%; no homozygotes.

Submission:

GeneDx
Classification: Uncertain significance. Last evaluated: 2026-01-30. Review status: criteria provided, single submitter. Criteria: GeneDx Variant Classification Process June 2021. Collection method: clinical testing. Allele origin: germline.
Comment: Reported in one proband from a cohort of patients with prostate cancer; however detailed genotype and phenotype information was not provided (PMID: 36095024); In silico analysis supports that this missense variant has a deleterious effect on protein structure/function; This variant is associated with the following publications: (PMID: 23843458, 36095024)

NM_001982.4(ERBB3):c.2900G>A (p.Arg967Lys)

Gene: ERBB3 (erb-b2 receptor tyrosine kinase 3; plus strand). Cytogenetic location: 12q13.2.
Variant type: single nucleotide variant.
Coding change: c.2900G>A on transcript NM_001982.4 (MANE Select); coding-DNA position 2900, G replaced by A.
Protein change: p.Arg967Lys; replaces arginine 967 with lysine.
Molecular consequence: missense variant.
Genome position (GRCh38, 1-based): chr12:56,099,708, G>A. VCF-style: chr12-56099708-G-A. GRCh37 (hg19) VCF-style: chr12-56493492-G-A.
Other names: short protein forms R967K.
Identifiers: ClinVar variation 4888128 (VCV004888128.1).
Genomic context (GRCh38, chr12:56,099,708, plus strand): 5'-GTTGGATGATTGATGAGAACATTCGCCCAACCTTTAAAGAACTAGCCAATGAGTTCACCA[G>A]GATGGCCCGAGACCCACCACGGTATCTGGTCATAAAGGTGAGTAGGGAGTAGGAGGTGCT-3'
Protein context (NP_001973.2, residues 957-977): TFKELANEFT[Arg967Lys]MARDPPRYLV